The following is an entry in ClinVar:

NM_000218.3(KCNQ1):c.1205G>A (p.Ser402Asn)

Gene: KCNQ1 (potassium voltage-gated channel subfamily Q member 1; plus strand). Cytogenetic location: 11p15.5.
Variant type: single nucleotide variant.
Coding change: c.1205G>A on transcript NM_000218.3 (MANE Select); coding-DNA position 1205, G replaced by A.
Protein change: p.Ser402Asn; replaces serine 402 with asparagine.
Molecular consequence: missense variant.
Genome position (GRCh38, 1-based): chr11:2,587,646, G>A. VCF-style: chr11-2587646-G-A. GRCh37 (hg19) VCF-style: chr11-2608876-G-A.
Other names: c.1109G>A, p.Ser370Asn (NM_001406836.1); c.935G>A, p.Ser312Asn (NM_001406837.1); c.665G>A, p.Ser222Asn (NM_001406838.1); c.824G>A, p.Ser275Asn (NM_181798.2); short protein forms S275N, S402N, S222N, S370N, S312N.
Identifiers: ClinVar variation 237222 (VCV000237222.10), dbSNP rs878853753, ClinGen allele CA10582884.

ClinVar aggregate classification (germline): Uncertain significance (1 of 4 stars; one submission).

Conditions:
Long QT syndrome (LQTS). Identifiers: MedGen C0023976, MeSH D008133, MONDO:0002442. Disease mechanism: loss of function. Inheritance: Various modes of inheritance.

Allele frequency attached by ClinVar (database versions not stated): gnomAD exomes below 0.00001.
gnomAD v4.1: 1 of 1,613,956 alleles (0.000062%); highest among the groups gnomAD compares: Non-Finnish European, 0.000085%; no homozygotes.

Submission:

Labcorp Genetics (formerly Invitae), Labcorp
Classification: Uncertain significance for Long QT syndrome. Last evaluated: 2022-01-16. Review status: criteria provided, single submitter. Criteria: Invitae Variant Classification Sherloc (09022015). Collection method: clinical testing. Allele origin: germline.
Comment: In summary, the available evidence is currently insufficient to determine the role of this variant in disease. Therefore, it has been classified as a Variant of Uncertain Significance. Algorithms developed to predict the effect of missense changes on protein structure and function output the following: SIFT: "Tolerated"; PolyPhen-2: "Benign"; Align-GVGD: "Class C0". The asparagine amino acid residue is found in multiple mammalian species, which suggests that this missense change does not adversely affect protein function. ClinVar contains an entry for this variant (Variation ID: 237222). This missense change has been observed in individual(s) with clinical features of KCNQ1-related conditions (PMID: 29247119). This variant is not present in population databases (gnomAD no frequency). This sequence change replaces serine, which is neutral and polar, with asparagine, which is neutral and polar, at codon 402 of the KCNQ1 protein (p.Ser402Asn).

Literature cited by the submitters: PubMed 29247119.